The following is an entry in ClinVar:

ClinVar aggregate classification (germline): Conflicting classifications of pathogenicity. Review status: criteria provided, conflicting classifications (1 of 4 stars). 9 submissions from 9 submitters: Uncertain significance (7); Likely benign (1). 1 of the submissions does not count toward it. Last evaluated 2025-09-10.

Conditions:
Hereditary cancer-predisposing syndrome. Also called: Neoplastic Syndromes, Hereditary; Hereditary neoplastic syndrome; Hereditary Cancer Syndrome; Tumor predisposition. Identifiers: Orphanet 140162, MedGen C0027672, MeSH D009386, MONDO:0015356.
Hereditary breast ovarian cancer syndrome. Also called: Breast and ovarian cancer; BRCA1- and BRCA2-Associated Hereditary Breast and Ovarian Cancer; Hereditary breast and ovarian cancer syndrome (HBOC); Hereditary breast and/or ovarian cancer syndrome; Hereditary breast and ovarian cancer; Hereditary breast and ovarian cancer syndrome. Identifiers: Orphanet 145, MedGen C0677776, MeSH D061325, MONDO:0003582. Disease mechanism: loss of function.
Breast-ovarian cancer, familial, susceptibility to, 2 (BROVCA2). Also called: BRCA2 Hereditary Breast and Ovarian Cancer. Identifiers: Orphanet 145, MedGen C2675520, MONDO:0012933, OMIM 612555. Disease mechanism: loss of function.

Allele frequency attached by ClinVar (database versions not stated): gnomAD exomes 0.00001; TOPMed below 0.00001.
gnomAD v4.1: 3 of 1,610,258 alleles (0.00019%); highest among the groups gnomAD compares: Non-Finnish European, 0.00025%; no homozygotes.

Submissions (9):

Labcorp Genetics (formerly Invitae), Labcorp
Classification: Uncertain significance for Hereditary breast ovarian cancer syndrome. Last evaluated: 2025-09-10. Review status: criteria provided, single submitter. Criteria: Invitae Variant Classification Sherloc (09022015). Collection method: clinical testing. Allele origin: germline.
Comment: This sequence change replaces alanine, which is neutral and non-polar, with valine, which is neutral and non-polar, at codon 843 of the BRCA2 protein (p.Ala843Val). This variant is not present in population databases (gnomAD no frequency). This variant has not been reported in the literature in individuals affected with BRCA2-related conditions. ClinVar contains an entry for this variant (Variation ID: 51300). Invitae Evidence Modeling of protein sequence and biophysical properties (such as structural, functional, and spatial information, amino acid conservation, physicochemical variation, residue mobility, and thermodynamic stability) indicates that this missense variant is not expected to disrupt BRCA2 protein function with a negative predictive value of 95%. In summary, the available evidence is currently insufficient to determine the role of this variant in disease. Therefore, it has been classified as a Variant of Uncertain Significance.

Dasa
Classification: Uncertain significance for Breast-ovarian cancer, familial, susceptibility to, 2. Last evaluated: 2025-08-19. Review status: criteria provided, single submitter. Criteria: DASA Assertion Criteria. Collection method: clinical testing. Allele origin: germline.
Comment: NM_000059.4(BRCA2):c.2528C>T (p.Ala843Val) is a missense variant that results in the substitution of alanine with valine. This variant is rare in population databases. Computational prediction algorithms are consistent with a benign effect. The currently available literature and clinical evidence are not sufficient to establish a definitive association between this variant and the reported condition. Therefore, this variant is classified as a variant of uncertain significance.

Color Diagnostics, LLC DBA Color Health
Classification: Uncertain significance for Hereditary cancer-predisposing syndrome. Last evaluated: 2025-07-21. Review status: criteria provided, single submitter. Criteria: ACMG Guidelines, 2015. Collection method: clinical testing. Allele origin: germline.
Comment: This missense variant replaces alanine with valine at codon 843 of the BRCA2 protein. Computational prediction suggests that this variant may not impact protein structure and function. To our knowledge, functional studies have not been reported for this variant. This variant has been reported as Likely Benign based on a multifactorial analysis (PMID: 31131967). This variant has not been identified in the general population by the Genome Aggregation Database (gnomAD). The available evidence is insufficient to determine the role of this variant in disease conclusively. Therefore, this variant is classified as a Variant of Uncertain Significance.

Ambry Genetics
Classification: Uncertain significance for Hereditary cancer-predisposing syndrome. Last evaluated: 2024-07-09. Review status: criteria provided, single submitter. Criteria: Ambry Variant Classification Scheme 2023. Collection method: clinical testing. Allele origin: germline.
Comment: The p.A843V variant (also known as c.2528C>T), located in coding exon 10 of the BRCA2 gene, results from a C to T substitution at nucleotide position 2528. The alanine at codon 843 is replaced by valine, an amino acid with similar properties. This amino acid position is not well conserved in available vertebrate species. In addition, this alteration is predicted to be tolerated by in silico analysis. Since supporting evidence is limited at this time, the clinical significance of this alteration remains unclear.

All of Us Research Program, National Institutes of Health
Classification: Uncertain significance for Breast-ovarian cancer, familial, susceptibility to, 2. Last evaluated: 2023-10-30. Review status: criteria provided, single submitter. Criteria: ACMG Guidelines, 2015. Collection method: clinical testing. Allele origin: germline. Inheritance: Autosomal dominant inheritance. Observed: 2 variant alleles, 2 heterozygotes.
Comment: This missense variant replaces alanine with valine at codon 843 of the BRCA2 protein. Computational prediction suggests that this variant may not impact protein structure and function (internally defined REVEL score threshold <= 0.5, PMID: 27666373). To our knowledge, functional studies have not been reported for this variant. This variant has not been reported in individuals affected with hereditary cancer in the literature. This variant has not been identified in the general population by the Genome Aggregation Database (gnomAD). The available evidence is insufficient to determine the role of this variant in disease conclusively. Therefore, this variant is classified as a Variant of Uncertain Significance.

This study involves interpretation of variants in research participants for the purpose of population health screening. Participant phenotype was not available at the time of variant classification. Additional details can be found in publication PMID: 35346344, PMCID: PMC8962531

University of Washington Department of Laboratory Medicine, University of Washington
Classification: Likely benign for Hereditary cancer-predisposing syndrome. Last evaluated: 2023-03-23. Review status: criteria provided, single submitter. Criteria: Dines et al. (Genet Med. 2020). Collection method: curation. Allele origin: germline.
Comment: Missense variant in a coldspot region where missense variants are very unlikely to be pathogenic (PMID:31911673).

BRCA2 exon 11 coldspot. Reclassification based on statistical prior probability.

Women's Health and Genetics/Laboratory Corporation of America, LabCorp
Classification: Uncertain significance. Last evaluated: 2017-10-09. Review status: criteria provided, single submitter. Criteria: LabCorp Variant Classification Summary - May 2015. Collection method: clinical testing. Allele origin: germline.
Comment: Variant summary: The BRCA2 c.2528C>T (p.Ala843Val) variant involves the alteration of a non-conserved nucleotide, leading to an amino acid substitution in a protein region that is not located in any known domain. Since alanine and valine share similar size and physicochemical properties, this substitution is considered a conservative amino acid change. 3/5 in silico tools predict a benign outcome for this variant. This variant is absent in 273524 control chromosomes. The variant of interest has not, to our knowledge, been reported in affected individuals via publications; nor evaluated for functional impact by in vivo/vitro studies. In addition, multiple clinical diagnostic laboratories/reputable databases classified this variant as uncertain significance. Because of the absence of clinical information and the lack of functional studies, the variant is classified as a variant of uncertain significance (VUS) until additional information becomes available.

GeneDx
Classification: Uncertain significance. Last evaluated: 2016-11-22. Review status: criteria provided, single submitter. Criteria: GeneDx Variant Classification (06012015). Collection method: clinical testing. Allele origin: germline. Affected: yes.
Comment: This variant is denoted BRCA2 c.2528C>T at the cDNA level, p.Ala843Val (A843V) at the protein level, and results in the change of an Alanine to a Valine (GCA>GTA). Using alternate nomenclature, this variant would be defined as BRCA2 2756C>T. This variant has not, to our knowledge, been published in the literature as a pathogenic or benign germline variant; however it has been reported as a somatic variant in an endometrial carcinoma sample according to the Catalogue of Somatic Mutations in Cancer (COSMIC) database. BRCA2 Ala843Val was not observed in approximately 6,500 individuals of European and African American ancestry in the NHLBI Exome Sequencing Project, suggesting it is not a common benign variant in these populations. Since Alanine and Valine share similar properties, this is considered a conservative amino acid substitution. BRCA2 Ala843Val occurs at a position that is not conserved and is not located in a known functional domain. In silico analyses predict that this variant is unlikely to alter protein structure or function. Based on currently available evidence, it is unclear whether BRCA2 Ala843Val is a pathogenic or benign variant. We consider it to be a variant of uncertain significance.

Breast Cancer Information Core (BIC) (BRCA2)
Classification: Uncertain significance for Breast-ovarian cancer, familial 2. Last evaluated: 2003-12-23. Review status: no assertion criteria provided. Collection method: clinical testing. Allele origin: germline. Affected: yes. Observed: 1 variant allele. Not counted in ClinVar's aggregate classification.

Literature cited by the submitters: PubMed 31131967 (cited by Color Diagnostics, LLC DBA Color Health).

NM_000059.4(BRCA2):c.2528C>T (p.Ala843Val)

Gene: BRCA2 (BRCA2 DNA repair associated; plus strand). Cytogenetic location: 13q13.1.
Variant type: single nucleotide variant.
Coding change: c.2528C>T on transcript NM_000059.4 (MANE Select); coding-DNA position 2528, C replaced by T.
Protein change: p.Ala843Val; replaces alanine 843 with valine.
Molecular consequence: missense variant.
Genome position (GRCh38, 1-based): chr13:32,336,883, C>T. VCF-style: chr13-32336883-C-T. GRCh37 (hg19) VCF-style: chr13-32911020-C-T.
Other names: short protein forms A843V.
Identifiers: ClinVar variation 51300 (VCV000051300.25), dbSNP rs80358517, ClinGen allele CA015568.